The following is an entry in ClinVar:

NM_000702.4(ATP1A2):c.1216+1G>T

Gene: ATP1A2 (ATPase Na+/K+ transporting subunit alpha 2; plus strand). Cytogenetic location: 1q23.2.
Variant type: single nucleotide variant.
Coding change: c.1216+1G>T on transcript NM_000702.4 (MANE Select); the canonical splice donor site of the intron after coding-DNA position 1216, G replaced by T.
Molecular consequence: splice donor variant.
Genome position (GRCh38, 1-based): chr1:160,128,851, G>T. VCF-style: chr1-160128851-G-T. GRCh37 (hg19) VCF-style: chr1-160098641-G-T.
Identifiers: ClinVar variation 4823160 (VCV004823160.4).
Genomic context (GRCh38, chr1:160,128,851, plus strand): 5'-TCGCCCACATGTGGTTCGACAACCAAATCCATGAGGCTGACACCACCGAAGATCAGTCTG[G>T]TGATTGGGTGCTCCAGAGGGGGTGGATAGGATTAGAGGAGGCTGAGGGCAGTGGCGTGGT-3'

ClinVar aggregate classification (germline): Pathogenic (1 of 4 stars; one submission).

Submission:

CeGaT Center for Human Genetics Tuebingen
Classification: Pathogenic. Last evaluated: 2026-01-01. Review status: criteria provided, single submitter. Criteria: CeGaT Center For Human Genetics Tuebingen Variant Classification Criteria Version 2. Collection method: clinical testing. Allele origin: germline. Affected: yes. Observed: 2 variant alleles.
Comment: ATP1A2: PVS1, PM2